The following is an entry in ClinVar:

NM_004655.3(AXIN2):c.1713_1721delCGGCAGCAG

Gene: AXIN2 (axin 2; minus strand). Cytogenetic location: 17q24.1.
Variant type: Deletion.
Coding change: c.1713_1721delCGGCAGCAG on transcript NM_004655.3; coding-DNA positions 1713 to 1721, 9 bases deleted (CGGCAGCAG).
Molecular consequence: intron variant (on NM_001363813.1).
Genome position (GRCh38, 1-based): chr17:65,537,055-65,537,063, CTGCTGCCG deleted on the plus strand (CGGCAGCAG on the coding strand, the reverse complement: AXIN2 is on the minus strand); deleting any 9 consecutive bases within chr17:65,537,055-65,537,066 gives the same sequence; the c. name uses the placement nearest the transcript's 3' end. VCF-style (leftmost placement, unchanged base first): chr17-65537054-TCTGCTGCCG-T. GRCh37 (hg19) VCF-style: chr17-63533172-TCTGCTGCCG-T.
Other names: c.1712+261_1712+269del (NM_001363813.1).
Identifiers: ClinVar variation 2451651 (VCV002451651.5), ClinGen allele CA2580094704.

ClinVar aggregate classification (germline): Uncertain significance. Review status: criteria provided, multiple submitters, no conflicts (2 of 4 stars). 2 submissions from 2 submitters: Uncertain significance (2). Last evaluated 2023-02-01.

Conditions:
Hereditary cancer-predisposing syndrome. Also called: Tumor predisposition; Hereditary Cancer Syndrome; Hereditary neoplastic syndrome; Neoplastic Syndromes, Hereditary. Identifiers: Orphanet 140162, MedGen C0027672, MeSH D009386, MONDO:0015356.
Oligodontia-cancer predisposition syndrome. Also called: TOOTH AGENESIS-COLORECTAL CANCER SYNDROME. Identifiers: Orphanet 300576, MedGen C1837750, MONDO:0012075, OMIM 608615. Disease mechanism: loss of function.

Submissions (2):

Labcorp Genetics (formerly Invitae), Labcorp
Classification: Uncertain significance for Oligodontia-cancer predisposition syndrome. Last evaluated: 2023-02-01. Review status: criteria provided, single submitter. Criteria: Invitae Variant Classification Sherloc (09022015). Collection method: clinical testing. Allele origin: germline.
Comment: In summary, the available evidence is currently insufficient to determine the role of this variant in disease. Therefore, it has been classified as a Variant of Uncertain Significance. Algorithms developed to predict the effect of sequence changes on RNA splicing suggest that this variant may disrupt the consensus splice site. Experimental studies and prediction algorithms are not available or were not evaluated, and the functional significance of this variant is currently unknown. This variant has not been reported in the literature in individuals affected with AXIN2-related conditions. This variant is not present in population databases (gnomAD no frequency). This variant, c.1713_1721del, results in the deletion of 3 amino acid(s) of the AXIN2 protein (p.Arg574_Ser576del), but otherwise preserves the integrity of the reading frame.

Ambry Genetics
Classification: Uncertain significance for Hereditary cancer-predisposing syndrome. Last evaluated: 2023-01-05. Review status: criteria provided, single submitter. Criteria: Ambry Variant Classification Scheme 2023. Collection method: clinical testing. Allele origin: germline.
Comment: The c.1713_1721delCGGCAGCAG variant (also known as p.R574_S576del) is located in coding exon 6 of the AXIN2 gene. This variant results from an in-frame deletion of 9 nucleotides (CGGCAGCAG) at nucleotide positions 1713 to 1721. This results in the in-frame deletion of three amino acids at codons 574 to 576. These amino acid positions are well conserved in available vertebrate species. In addition, the in silico prediction for this alteration is inconclusive (Choi Y et al. PLoS ONE. 2012; 7(10):e46688). Since supporting evidence is limited at this time, the clinical significance of this alteration remains unclear.